The following is an entry in ClinVar:

NM_000245.4(MET):c.3549C>T (p.Gly1183=)

Gene: MET (MET proto-oncogene, receptor tyrosine kinase; plus strand). Cytogenetic location: 7q31.2.
Variant type: single nucleotide variant.
Coding change: c.3549C>T on transcript NM_000245.4 (MANE Select); coding-DNA position 3549, C replaced by T.
Protein change: p.Gly1183=; no amino-acid change (glycine 1183 retained).
Molecular consequence: synonymous variant.
Genome position (GRCh38, 1-based): chr7:116,782,014, C>T. VCF-style: chr7-116782014-C-T. GRCh37 (hg19) VCF-style: chr7-116422068-C-T.
Other names: c.3603C>T (LRG_662t1, NM_001127500.2); c.3603C>T, p.Gly1201= (NM_001127500.3); c.2259C>T, p.Gly753= (NM_001324402.2).
Identifiers: ClinVar variation 215485 (VCV000215485.32), dbSNP rs371165052, ClinGen allele CA339193.

ClinVar aggregate classification (germline): Benign/Likely benign. Review status: criteria provided, multiple submitters, no conflicts (2 of 4 stars). 10 submissions from 10 submitters: Benign (5); Likely benign (4). 1 of the submissions does not count toward it. Last evaluated 2026-01-25.

Conditions:
Renal cell carcinoma. Identifiers: Orphanet 217071, MedGen C0007134, MeSH D002292, MONDO:0005086, HP:0005584.
MET-related disorder. Also called: MET-related condition.
Hereditary cancer-predisposing syndrome. Also called: Neoplastic Syndromes, Hereditary; Tumor predisposition; Hereditary Cancer Syndrome; Hereditary neoplastic syndrome. Identifiers: Orphanet 140162, MedGen C0027672, MeSH D009386, MONDO:0015356.
Papillary renal cell carcinoma type 1 (RCCP1). Also called: RENAL CELL CARCINOMA, PAPILLARY, 1, SOMATIC; Renal adenocarcinoma; Renal cell carcinoma 1; Renal cell carcinoma, somatic. Identifiers: Orphanet 47044, MedGen C1336839, OMIM 605074, HP:0011797.

Allele frequency attached by ClinVar (database versions not stated): gnomAD exomes 0.00007 and 0.00020; ExAC 0.00031; 1000 Genomes Project 30x 0.00062; gnomAD 0.00070 and 0.00074; 1000 Genomes Project 0.00080; TOPMed 0.00088; ESP Exome Variant Server 0.00136.
gnomAD v4.1: 203 of 1,613,620 alleles (0.013%); highest among the groups gnomAD compares: African/African-American, 0.24%; 1 homozygote.

Submissions (10):

Labcorp Genetics (formerly Invitae), Labcorp
Classification: Benign for Renal cell carcinoma. Last evaluated: 2026-01-25. Review status: criteria provided, single submitter. Criteria: Invitae Variant Classification Sherloc (09022015). Collection method: clinical testing. Allele origin: germline.

Center for Genomic Medicine, Rigshospitalet, Copenhagen University Hospital
Classification: Likely benign. Last evaluated: 2025-03-04. Review status: criteria provided, single submitter. Criteria: ACMG Guidelines, 2015. Collection method: clinical testing. Allele origin: germline.

KCCC/NGS Laboratory, Kuwait Cancer Control Center
Classification: Benign for Papillary renal cell carcinoma type 1. Last evaluated: 2025-02-01. Review status: criteria provided, single submitter. Criteria: ACMG Guidelines, 2015. Collection method: clinical testing. Allele origin: germline. Affected: no.

Myriad Genetics, Inc.
Classification: Benign for Papillary renal cell carcinoma type 1. Last evaluated: 2024-11-13. Review status: criteria provided, single submitter. Criteria: Myriad Autosomal Dominant, Autosomal Recessive and X-Linked Classification Criteria (2023). Collection method: clinical testing. Allele origin: unknown.
Comment: This variant is considered benign. This variant is a silent/synonymous amino acid change and it is not expected to impact splicing.

Blueprint Genetics
Classification: Likely benign. Last evaluated: 2024-09-02. Review status: criteria provided, single submitter. Criteria: ACMG Guidelines, 2015. Collection method: clinical testing. Allele origin: germline.

GeneDx
Classification: Likely benign. Last evaluated: 2021-03-14. Review status: criteria provided, single submitter. Criteria: GeneDx Variant Classification Process June 2021. Collection method: clinical testing. Allele origin: germline. Affected: yes.

Sema4
Classification: Benign for Hereditary cancer-predisposing syndrome. Last evaluated: 2020-12-15. Review status: criteria provided, single submitter. Criteria: Sema4 Curation Guidelines. Collection method: curation. Allele origin: germline.

Illumina Laboratory Services, Illumina
Classification: Benign for Papillary renal cell carcinoma type 1. Last evaluated: 2018-01-13. Review status: criteria provided, single submitter. Criteria: ICSL Variant Classification Criteria 13 December 2019. Collection method: clinical testing. Allele origin: germline.
Comment: This variant was observed in the ICSL laboratory as part of a predisposition screen in an ostensibly healthy population. It had not been previously curated by ICSL or reported in the Human Gene Mutation Database (HGMD: prior to June 1st, 2018), and was therefore a candidate for classification through an automated scoring system. Utilizing variant allele frequency, disease prevalence and penetrance estimates, and inheritance mode, an automated score was calculated to assess if this variant is too frequent to cause the disease. Based on the score and internal cut-off values, a variant classified as benign is not then subjected to further curation. The score for this variant resulted in a classification of benign for this disease.

Ambry Genetics
Classification: Likely benign for Hereditary cancer-predisposing syndrome. Last evaluated: 2015-06-11. Review status: criteria provided, single submitter. Criteria: Ambry Variant Classification Scheme 2023. Collection method: clinical testing. Allele origin: germline.

PreventionGenetics, part of Exact Sciences
Classification: Likely benign for MET-related condition. Last evaluated: 2024-01-09. Review status: no assertion criteria provided. Collection method: clinical testing. Allele origin: germline. Not counted in ClinVar's aggregate classification.
Comment: This variant is classified as likely benign based on ACMG/AMP sequence variant interpretation guidelines (Richards et al. 2015 PMID: 25741868, with internal and published modifications).